The following is an entry in ClinVar:

NM_000161.3(GCH1):c.401A>G (p.Asp134Gly)

Gene: GCH1 (GTP cyclohydrolase 1; minus strand). Cytogenetic location: 14q22.2.
Variant type: single nucleotide variant.
Coding change: c.401A>G on transcript NM_000161.3 (MANE Select); coding-DNA position 401, A replaced by G.
Protein change: p.Asp134Gly; replaces aspartic acid 134 with glycine.
Molecular consequence: missense variant.
Genome position (GRCh38, 1-based): chr14:54,865,379, T>C on the plus strand (A>G on the coding strand, the complement: GCH1 is on the minus strand). VCF-style: chr14-54865379-T-C. GRCh37 (hg19) VCF-style: chr14-55332097-T-C.
Other names: c.401A>G, p.Asp134Gly (NM_001024024.2, NM_001024070.2, NM_001024071.2 and 1 more transcripts); c.107A>G, p.Asp36Gly (NM_001424105.1); short protein forms D36G, D134G.
Identifiers: ClinVar variation 4783775 (VCV004783775.1).

ClinVar aggregate classification (germline): Uncertain significance (1 of 4 stars; one submission).

Conditions:
GTP cyclohydrolase I deficiency. Identifiers: MedGen C0268467, MONDO:0100184.
Dystonia 5 (DRD). Also called: DYT-GCH1; DYSTONIA, PROGRESSIVE, WITH DIURNAL VARIATION; DYSTONIA-PARKINSONISM WITH DIURNAL FLUCTUATION; Dystonia, DOPA-responsive, with or without hyperphenylalaninemia; GTP Cyclohydrolase 1-Deficient Dopa-Responsive Dystonia. Identifiers: Orphanet 98808, MedGen C1851920, MONDO:0007495, OMIM 128230.

gnomAD v4.1: 1 of 1,594,920 alleles (0.000063%); highest among the groups gnomAD compares: Non-Finnish European, 0.000086%; no homozygotes.

Submission:

Labcorp Genetics (formerly Invitae), Labcorp
Classification: Uncertain significance for GTP cyclohydrolase I deficiency; Dystonia 5. Last evaluated: 2026-01-26. Review status: criteria provided, single submitter. Criteria: Invitae Variant Classification Sherloc (09022015). Collection method: clinical testing. Allele origin: germline.
Comment: This sequence change replaces aspartic acid, which is acidic and polar, with glycine, which is neutral and non-polar, at codon 134 of the GCH1 protein (p.Asp134Gly). This variant is not present in population databases (gnomAD no frequency). This missense change has been observed in individual(s) with autosomal dominant dopa-responsive dystonia (PMID: 24993959). Invitae Evidence Modeling of protein sequence and biophysical properties (such as structural, functional, and spatial information, amino acid conservation, physicochemical variation, residue mobility, and thermodynamic stability) indicates that this missense variant is not expected to disrupt GCH1 protein function with a negative predictive value of 80%. This variant disrupts the p.Asp134 amino acid residue in GCH1. Other variant(s) that disrupt this residue have been determined to be pathogenic (PMID: 17898029, 39001623; internal data). This suggests that this residue is clinically significant, and that variants that disrupt this residue are likely to be disease-causing. In summary, the available evidence is currently insufficient to determine the role of this variant in disease. Therefore, it has been classified as a Variant of Uncertain Significance.

Literature cited by the submitters: PubMed 24993959; PubMed 17898029; PubMed 39001623.